The following is an entry in ClinVar:

NM_020831.6(MRTFA):c.854C>T (p.Pro285Leu)

Gene: MRTFA (myocardin related transcription factor A; minus strand). Cytogenetic location: 22q13.1.
Variant type: single nucleotide variant.
Coding change: c.854C>T on transcript NM_020831.6 (MANE Select); coding-DNA position 854, C replaced by T.
Protein change: p.Pro285Leu; replaces proline 285 with leucine.
Molecular consequence: missense variant. On other transcripts: intron variant (1).
Genome position (GRCh38, 1-based): chr22:40,423,609, G>A on the plus strand (C>T on the coding strand, the complement: MRTFA is on the minus strand). VCF-style: chr22-40423609-G-A. GRCh37 (hg19) VCF-style: chr22-40819613-G-A.
Other names: c.554C>T, p.Pro185Leu (NM_001282660.2); c.854C>T, p.Pro285Leu (NM_001282662.3); c.659C>T, p.Pro220Leu (NM_001318139.2); c.777+597C>T (NM_001282661.3); c.554C>T (NM_020831.3); short protein forms P185L, P285L, P220L.
Identifiers: ClinVar variation 1037257 (VCV001037257.7), dbSNP rs545698340, ClinGen allele CA411665418.
Genomic context (GRCh38, chr22:40,423,609, plus strand): 5'-GGGGTGGACTTGGCAGTGGGGATAGTGGTTCCATTGGTGAGGCTGGGAGGCAGCAGAGGT[G>A]GGGGAGGCAGAGGAGGCTGCTCTGCCAGGAAAAGCATTTCTCTGGAATCCCGGCCCATCG-3'
Protein context (NP_065882.2, residues 275-295): FLAEQPPLPP[Pro285Leu]PLLPPSLTNG

ClinVar aggregate classification (germline): Uncertain significance. Review status: criteria provided, multiple submitters, no conflicts (2 of 4 stars). 2 submissions from 2 submitters: Uncertain significance (2). Last evaluated 2025-10-15.

Allele frequency attached by ClinVar (database versions not stated): TOPMed 0.00002.
gnomAD v4.1: 47 of 1,599,584 alleles (0.0029%); highest among the groups gnomAD compares: South Asian, 0.0056%; no homozygotes.

Submissions (2):

Labcorp Genetics (formerly Invitae), Labcorp
Classification: Uncertain significance. Last evaluated: 2025-10-15. Review status: criteria provided, single submitter. Criteria: Invitae Variant Classification Sherloc (09022015). Collection method: clinical testing. Allele origin: germline.
Comment: This sequence change replaces proline, which is neutral and non-polar, with leucine, which is neutral and non-polar, at codon 185 of the MKL1 protein (p.Pro185Leu). This variant is present in population databases (no rsID available, gnomAD 0.01%). This variant has not been reported in the literature in individuals affected with MKL1-related conditions. ClinVar contains an entry for this variant (Variation ID: 1037257). An algorithm developed to predict the effect of missense changes on protein structure and function (PolyPhen-2) suggests that this variant is likely to be tolerated. In summary, the available evidence is currently insufficient to determine the role of this variant in disease. Therefore, it has been classified as a Variant of Uncertain Significance.

Ambry Genetics
Classification: Uncertain significance. Last evaluated: 2025-08-11. Review status: criteria provided, single submitter. Criteria: Ambry Variant Classification Scheme 2023. Collection method: clinical testing. Allele origin: germline.